The following is an entry in ClinVar:

NM_001184.4(ATR):c.4802C>T (p.Ala1601Val)

Gene: ATR (ATR checkpoint kinase; minus strand). Cytogenetic location: 3q23.
Variant type: single nucleotide variant.
Coding change: c.4802C>T on transcript NM_001184.4 (MANE Select); coding-DNA position 4802, C replaced by T.
Protein change: p.Ala1601Val; replaces alanine 1601 with valine.
Molecular consequence: missense variant.
Genome position (GRCh38, 1-based): chr3:142,512,310, G>A on the plus strand (C>T on the coding strand, the complement: ATR is on the minus strand). VCF-style: chr3-142512310-G-A. GRCh37 (hg19) VCF-style: chr3-142231152-G-A.
Other names: c.4610C>T, p.Ala1537Val (NM_001354579.2); short protein forms A1537V, A1601V.
Identifiers: ClinVar variation 999888 (VCV000999888.8), dbSNP rs2032619143, ClinGen allele CA354795123.

ClinVar aggregate classification (germline): Uncertain significance (1 of 4 stars; one submission).

Submission:

Labcorp Genetics (formerly Invitae), Labcorp
Classification: Uncertain significance. Last evaluated: 2024-05-06. Review status: criteria provided, single submitter. Criteria: Invitae Variant Classification Sherloc (09022015). Collection method: clinical testing. Allele origin: germline.
Comment: This sequence change replaces alanine, which is neutral and non-polar, with valine, which is neutral and non-polar, at codon 1601 of the ATR protein (p.Ala1601Val). This variant is not present in population databases (gnomAD no frequency). This variant has not been reported in the literature in individuals affected with ATR-related conditions. ClinVar contains an entry for this variant (Variation ID: 999888). An algorithm developed to predict the effect of missense changes on protein structure and function (PolyPhen-2) suggests that this variant is likely to be tolerated. In summary, the available evidence is currently insufficient to determine the role of this variant in disease. Therefore, it has been classified as a Variant of Uncertain Significance.